The following is an entry in ClinVar:

ClinVar aggregate classification (germline): Uncertain significance (1 of 4 stars; one submission).

Conditions:
Gorlin syndrome. Also called: Nevoid Basal Cell Carcinoma Syndrome; Basal cell nevus syndrome. Identifiers: Orphanet 377, MedGen C0004779, MONDO:0007187.

Submission:

Labcorp Genetics (formerly Invitae), Labcorp
Classification: Uncertain significance for Gorlin syndrome. Last evaluated: 2025-11-11. Review status: criteria provided, single submitter. Criteria: Invitae Variant Classification Sherloc (09022015). Collection method: clinical testing. Allele origin: germline.
Comment: This sequence change replaces proline, which is neutral and non-polar, with arginine, which is basic and polar, at codon 1306 of the PTCH1 protein (p.Pro1306Arg). This variant is not present in population databases (gnomAD no frequency). This variant has not been reported in the literature in individuals affected with PTCH1-related conditions. Invitae Evidence Modeling of protein sequence and biophysical properties (such as structural, functional, and spatial information, amino acid conservation, physicochemical variation, residue mobility, and thermodynamic stability) indicates that this missense variant is not expected to disrupt PTCH1 protein function with a negative predictive value of 95%. In summary, the available evidence is currently insufficient to determine the role of this variant in disease. Therefore, it has been classified as a Variant of Uncertain Significance.

NM_000264.5(PTCH1):c.3917C>G (p.Pro1306Arg)

Gene: PTCH1 (patched 1; minus strand). Cytogenetic location: 9q22.32.
Variant type: single nucleotide variant.
Coding change: c.3917C>G on transcript NM_000264.5 (MANE Select); coding-DNA position 3917, C replaced by G.
Protein change: p.Pro1306Arg; replaces proline 1306 with arginine.
Molecular consequence: missense variant. On other transcripts: non-coding transcript variant (1).
Genome position (GRCh38, 1-based): chr9:95,447,339, G>C on the plus strand (C>G on the coding strand, the complement: PTCH1 is on the minus strand). VCF-style: chr9-95447339-G-C. GRCh37 (hg19) VCF-style: chr9-98209621-G-C.
Other names: c.3719C>G, p.Pro1240Arg (NM_001083602.3); c.3914C>G, p.Pro1305Arg (NM_001083603.3); c.3464C>G, p.Pro1155Arg (NM_001083604.3, NM_001083605.3, NM_001083606.3 and 1 more transcripts); c.3761C>G, p.Pro1254Arg (NM_001354918.2); short protein forms P1155R, P1240R, P1254R, P1305R, P1306R.
Identifiers: ClinVar variation 4801791 (VCV004801791.1).